The following is an entry in ClinVar:

NM_003072.5(SMARCA4):c.3738C>T (p.Phe1246=)

Gene: SMARCA4 (SWI/SNF related BAF chromatin remodeling complex subunit ATPase 4; plus strand). Cytogenetic location: 19p13.2.
Variant type: single nucleotide variant.
Coding change: c.3738C>T on transcript NM_003072.5 (MANE Select); coding-DNA position 3738, C replaced by T.
Protein change: p.Phe1246=; no amino-acid change (phenylalanine 1246 retained).
Molecular consequence: synonymous variant. On other transcripts: non-coding transcript variant (1).
Genome position (GRCh38, 1-based): chr19:11,033,481, C>T. VCF-style: chr19-11033481-C-T. GRCh37 (hg19) VCF-style: chr19-11144157-C-T.
Other names: c.3738C>T, p.Phe1246= (NM_001128844.3, NM_001128845.2, NM_001128846.2 and 5 more transcripts).
Identifiers: ClinVar variation 238434 (VCV000238434.53), dbSNP rs139943231, ClinGen allele CA9204494.
Genomic context (GRCh38, chr19:11,033,481, plus strand): 5'-GAAGGTGATCCAGGCCGGCATGTTCGACCAGAAGTCCTCCAGCCATGAGCGGCGCGCCTT[C>T]CTGCAGGCCATCCTGGAGCACGAGGAGCAGGATGAGGTGAGCCCAGCACCGGCCCCGACC-3'
Protein context (NP_003063.2, residues 1236-1256): QKSSSHERRA[Phe1246=]LQAILEHEEQ

ClinVar aggregate classification (germline): Benign/Likely benign. Review status: criteria provided, multiple submitters, no conflicts (2 of 4 stars). 11 submissions from 11 submitters: Benign (8); Likely benign (3). Last evaluated 2026-07-15.

Conditions:
Coffin-Siris syndrome. Identifiers: Orphanet 1465, MedGen C0265338, MONDO:0015452.
Hereditary cancer-predisposing syndrome. Also called: Hereditary Cancer Syndrome; Tumor predisposition; Hereditary neoplastic syndrome; Neoplastic Syndromes, Hereditary. Identifiers: Orphanet 140162, MedGen C0027672, MeSH D009386, MONDO:0015356.
Intellectual disability, autosomal dominant 16 (CSS4). Also called: COFFIN-SIRIS SYNDROME 4. Identifiers: Orphanet 1465, MedGen C3553249, MONDO:0013821, OMIM 614609.
Rhabdoid tumor predisposition syndrome 2 (RTPS2). Identifiers: Orphanet 231108, Orphanet 69077, MedGen C2750074, MONDO:0013224, OMIM 613325.

Allele frequency attached by ClinVar (database versions not stated): gnomAD 0.00046 and 0.00039; ExAC 0.00077; gnomAD exomes 0.00082 and 0.00013; 1000 Genomes Project 30x 0.00156; 1000 Genomes Project 0.00160; TOPMed 0.00046.
gnomAD v4.1: 330 of 1,613,276 alleles (0.02%); highest among the groups gnomAD compares: East Asian, 0.41%; 5 homozygotes.

Submissions (11):

Myriad Genetics, Inc.
Classification: Benign for Rhabdoid tumor predisposition syndrome 2. Last evaluated: 2026-07-15. Review status: criteria provided, single submitter. Criteria: Myriad Autosomal Dominant, Autosomal Recessive and X-Linked Classification Criteria (2023). Collection method: clinical testing. Allele origin: unknown.
Comment: This variant is considered benign. This variant is a silent/synonymous amino acid change and it is not expected to impact splicing.

CeGaT Center for Human Genetics Tuebingen
Classification: Likely benign. Last evaluated: 2026-05-01. Review status: criteria provided, single submitter. Criteria: CeGaT Center For Human Genetics Tuebingen Variant Classification Criteria Version 2. Collection method: clinical testing. Allele origin: germline. Affected: yes. Observed: 2 variant alleles.
Comment: SMARCA4: BP4, BP7, BS1

Labcorp Genetics (formerly Invitae), Labcorp
Classification: Benign for Rhabdoid tumor predisposition syndrome 2. Last evaluated: 2026-02-03. Review status: criteria provided, single submitter. Criteria: Invitae Variant Classification Sherloc (09022015). Collection method: clinical testing. Allele origin: germline.

Quest Diagnostics Nichols Institute San Juan Capistrano
Classification: Benign. Last evaluated: 2025-09-10. Review status: criteria provided, single submitter. Criteria: Quest Diagnostics criteria. Collection method: clinical testing. Allele origin: unknown.

ARUP Laboratories, Molecular Genetics and Genomics, ARUP Laboratories
Classification: Benign. Last evaluated: 2025-06-06. Review status: criteria provided, single submitter. Criteria: ARUP Molecular Germline Variant Investigation Process 2024. Collection method: clinical testing. Allele origin: germline.

Blueprint Genetics
Classification: Likely benign. Last evaluated: 2024-11-25. Review status: criteria provided, single submitter. Criteria: ACMG Guidelines, 2015. Collection method: clinical testing. Allele origin: germline.

Genome-Nilou Lab
Classification: Benign for Intellectual disability, autosomal dominant 16. Last evaluated: 2021-07-15. Review status: criteria provided, single submitter. Criteria: ACMG Guidelines, 2015. Collection method: clinical testing. Allele origin: germline. Affected: no.

GeneDx
Classification: Benign. Last evaluated: 2019-05-24. Review status: criteria provided, single submitter. Criteria: GeneDx Variant Classification Process June 2021. Collection method: clinical testing. Allele origin: germline. Affected: yes.

Genetic Services Laboratory, University of Chicago
Classification: Benign. Last evaluated: 2018-04-23. Review status: criteria provided, single submitter. Criteria: ACMG Guidelines, 2015. Collection method: clinical testing. Allele origin: germline. Affected: no.

Illumina Laboratory Services, Illumina
Classification: Benign for Coffin-Siris syndrome. Last evaluated: 2018-01-13. Review status: criteria provided, single submitter. Criteria: ICSL Variant Classification Criteria 13 December 2019. Collection method: clinical testing. Allele origin: germline.
Comment: This variant was observed in the ICSL laboratory as part of a predisposition screen in an ostensibly healthy population. It had not been previously curated by ICSL or reported in the Human Gene Mutation Database (HGMD: prior to June 1st, 2018), and was therefore a candidate for classification through an automated scoring system. Utilizing variant allele frequency, disease prevalence and penetrance estimates, and inheritance mode, an automated score was calculated to assess if this variant is too frequent to cause the disease. Based on the score and internal cut-off values, a variant classified as benign is not then subjected to further curation. The score for this variant resulted in a classification of benign for this disease.

Ambry Genetics
Classification: Likely benign for Hereditary cancer-predisposing syndrome. Last evaluated: 2015-06-23. Review status: criteria provided, single submitter. Criteria: Ambry Variant Classification Scheme 2023. Collection method: clinical testing. Allele origin: germline.